The following is an entry in ClinVar:

NM_015459.5(ATL3):c.44C>T (p.Ala15Val)

Gene: ATL3 (atlastin GTPase 3; minus strand). Cytogenetic location: 11q13.1.
Variant type: single nucleotide variant.
Coding change: c.44C>T on transcript NM_015459.5 (MANE Select); coding-DNA position 44, C replaced by T.
Protein change: p.Ala15Val; replaces alanine 15 with valine.
Molecular consequence: missense variant. On other transcripts: intron variant (1).
Genome position (GRCh38, 1-based): chr11:63,671,292, G>A on the plus strand (C>T on the coding strand, the complement: ATL3 is on the minus strand). VCF-style: chr11-63671292-G-A. GRCh37 (hg19) VCF-style: chr11-63438764-G-A.
Other names: c.-9+344C>T (NM_001290048.2); short protein forms A15V.
Identifiers: ClinVar variation 1741030 (VCV001741030.2), dbSNP rs2495749791, ClinGen allele CA381032734.

ClinVar aggregate classification (germline): Uncertain significance (1 of 4 stars; one submission).

Conditions:
Inborn genetic diseases. Identifiers: MedGen C0950123, MeSH D030342.

Submission:

Ambry Genetics
Classification: Uncertain significance for Inborn genetic diseases. Last evaluated: 2020-03-27. Review status: criteria provided, single submitter. Criteria: Ambry Variant Classification Scheme 2023. Collection method: clinical testing. Allele origin: germline.
Comment: The p.A15V variant (also known as c.44C>T), located in coding exon 1 of the ATL3 gene, results from a C to T substitution at nucleotide position 44. The alanine at codon 15 is replaced by valine, an amino acid with similar properties. This amino acid position is well conserved in available vertebrate species. In addition, this alteration is predicted to be tolerated by in silico analysis. Since supporting evidence is limited at this time, the clinical significance of this alteration remains unclear.